The following is an entry in ClinVar:

NC_012920.1(MT-TL2):m.12302C>A

Gene: MT-TL2 (mitochondrially encoded tRNA leucine 2 (CUN); plus strand).
Variant type: single nucleotide variant.
Genome position: chrM-12302-C-A.
Identifiers: ClinVar variation 690191 (VCV000690191.2), dbSNP rs1603223658, ClinGen allele CA913170039.

ClinVar aggregate classification (germline): Uncertain significance (1 of 4 stars; one submission).

Conditions:
MELAS syndrome (MELAS). Also called: Juvenile myopathy, encephalopathy, lactic acidosis, stroke. Identifiers: Orphanet 550, MedGen C0162671, MONDO:0010789, OMIM 540000.

Submission:

Wong Mito Lab, Molecular and Human Genetics, Baylor College of Medicine
Classification: Uncertain significance for MELAS syndrome. Last evaluated: 2020-03-15. Review status: criteria provided, single submitter. Criteria: Modified ACMG Guidelines (Unpublished). Collection method: clinical testing. Allele origin: germline.
Comment: The NC_012920.1:m.12302C>A variant in MT-TL2 gene is interpreted to be a variant with uncertain significance based on the modified ACMG guidelines (unpublished). This variant meets the following evidence codes reported in the guidelines: BP4

Literature cited by the submitters: PubMed 31965079.